The following is an entry in ClinVar:

ClinVar aggregate classification (germline): Uncertain significance (1 of 4 stars; one submission).

Submission:

Labcorp Genetics (formerly Invitae), Labcorp
Classification: Uncertain significance. Last evaluated: 2022-10-05. Review status: criteria provided, single submitter. Criteria: Invitae Variant Classification Sherloc (09022015). Collection method: clinical testing. Allele origin: germline.
Comment: The frequency data for this variant in the population databases is considered unreliable, as metrics indicate poor data quality at this position in the gnomAD database. This sequence change creates a premature translational stop signal (p.Gly113Cysfs*9) in the ROM1 gene. It is expected to result in an absent or disrupted protein product. However, the current clinical and genetic evidence is not sufficient to establish whether loss-of-function variants in ROM1 cause disease. This premature translational stop signal has been observed in individual(s) with retinal dystrophy (PMID: 26103963, 31054281). ClinVar contains an entry for this variant (Variation ID: 960408). In summary, the available evidence is currently insufficient to determine the role of this variant in disease. Therefore, it has been classified as a Variant of Uncertain Significance.

Literature cited by the submitters: PubMed 26103963; PubMed 31054281.

NM_000327.4(ROM1):c.337_338delinsT (p.Gly113fs)

Gene: ROM1 (retinal outer segment membrane protein 1; plus strand). Cytogenetic location: 11q12.3.
Variant type: Indel.
Coding change: c.337_338delinsT on transcript NM_000327.4 (MANE Select); coding-DNA positions 337 to 338, GG replaced by T.
Protein change: p.Gly113fs; shifts the reading frame from glycine 113.
Molecular consequence: frameshift variant.
Genome position (GRCh38, 1-based): chr11:62,613,618-62,613,619, GG replaced by T. VCF-style: chr11-62613618-GG-T. GRCh37 (hg19) VCF-style: chr11-62381090-GG-T.
Other names: short protein forms G113fs.
Identifiers: ClinVar variation 4762363 (VCV004762363.1).